The following is an entry in ClinVar:

ClinVar aggregate classification (germline): Uncertain significance (1 of 4 stars; one submission).

gnomAD v4.1: 7 of 1,210,894 alleles (0.00058%); highest among the groups gnomAD compares: Admixed American, 0.0043%; no homozygotes.

Submission:

CeGaT Center for Human Genetics Tuebingen
Classification: Uncertain significance. Last evaluated: 2025-08-01. Review status: criteria provided, single submitter. Criteria: CeGaT Center For Human Genetics Tuebingen Variant Classification Criteria Version 2. Collection method: clinical testing. Allele origin: germline. Affected: yes. Observed: 1 variant allele.
Comment: BCORL1: PS2:Moderate, PM2:Supporting

NM_001379451.1(BCORL1):c.1430C>T (p.Thr477Met)

Gene: BCORL1 (BCL6 corepressor like 1; plus strand). Cytogenetic location: Xq26.1.
Variant type: single nucleotide variant.
Coding change: c.1430C>T on transcript NM_001379451.1 (MANE Select); coding-DNA position 1430, C replaced by T.
Protein change: p.Thr477Met; replaces threonine 477 with methionine.
Molecular consequence: missense variant.
Genome position (GRCh38, 1-based): chrX:130,014,202, C>T. VCF-style: chrX-130014202-C-T. GRCh37 (hg19) VCF-style: chrX-129148178-C-T.
Other names: c.1430C>T, p.Thr477Met (NM_001184772.3, NM_001379450.1, NM_001441326.1 and 7 more transcripts); short protein forms T477M.
Identifiers: ClinVar variation 4084984 (VCV004084984.8).